The following is an entry in ClinVar:

ClinVar aggregate classification (germline): Uncertain significance (1 of 4 stars; one submission).

gnomAD v4.1: 1 of 1,602,572 alleles (0.000062%); highest among the groups gnomAD compares: Non-Finnish European, 0.000085%; no homozygotes.

Submission:

GeneDx
Classification: Uncertain significance. Last evaluated: 2024-10-17. Review status: criteria provided, single submitter. Criteria: GeneDx Variant Classification Process June 2021. Collection method: clinical testing. Allele origin: germline. Affected: yes.
Comment: Not observed at significant frequency in large population cohorts (gnomAD); In silico analysis supports that this missense variant has a deleterious effect on protein structure/function; Has not been previously published as pathogenic or benign to our knowledge

NM_152564.5(VPS13B):c.8603A>G (p.His2868Arg)

Gene: VPS13B (vacuolar protein sorting 13 homolog B; plus strand). Cytogenetic location: 8q22.2.
Variant type: single nucleotide variant.
Coding change: c.8603A>G on transcript NM_152564.5 (MANE Select); coding-DNA position 8603, A replaced by G.
Protein change: p.His2868Arg; replaces histidine 2868 with arginine.
Molecular consequence: missense variant.
Genome position (GRCh38, 1-based): chr8:99,818,870, A>G. VCF-style: chr8-99818870-A-G. GRCh37 (hg19) VCF-style: chr8-100831098-A-G.
Other names: c.8678A>G, p.His2893Arg (NM_017890.5); short protein forms H2893R, H2868R.
Identifiers: ClinVar variation 3781234 (VCV003781234.1).